The following is an entry in ClinVar:

ClinVar aggregate classification (germline): Uncertain significance (1 of 4 stars; one submission).

Submission:

GeneDx
Classification: Uncertain significance. Last evaluated: 2025-07-08. Review status: criteria provided, single submitter. Criteria: GeneDx Variant Classification Process June 2021. Collection method: clinical testing. Allele origin: germline. Affected: yes.
Comment: Not observed at significant frequency in large population cohorts (gnomAD); In silico analysis supports that this missense variant has a deleterious effect on protein structure/function; Has not been previously published as pathogenic or benign to our knowledge

NM_004046.6(ATP5F1A):c.266A>G (p.Asn89Ser)

Gene: ATP5F1A (ATP synthase F1 subunit alpha; minus strand). Cytogenetic location: 18q21.1.
Variant type: single nucleotide variant.
Coding change: c.266A>G on transcript NM_004046.6 (MANE Select); coding-DNA position 266, A replaced by G.
Protein change: p.Asn89Ser; replaces asparagine 89 with serine.
Molecular consequence: missense variant.
Genome position (GRCh38, 1-based): chr18:46,091,725, T>C on the plus strand (A>G on the coding strand, the complement: ATP5F1A is on the minus strand). VCF-style: chr18-46091725-T-C. GRCh37 (hg19) VCF-style: chr18-43671691-T-C.
Other names: c.116A>G, p.Asn39Ser (NM_001001935.3, NM_001257335.2); c.266A>G, p.Asn89Ser (NM_001001937.2, NM_001257334.2); short protein forms N39S, N89S.
Identifiers: ClinVar variation 4685305 (VCV004685305.1).
Genomic context (GRCh38, chr18:46,091,725, plus strand): 5'-CTTATTTTATAATTTACCTTTAAGCCTGAAGAAAACTCTACCATTTCTTCTGCTTGAACA[T>C]TCCTCAGCCCATGTACGCGGGCAATACCATCACCAATACTTAAGACACGCCCAGTTTCTT-3'
Protein context (NP_004037.1, residues 79-99): DGIARVHGLR[Asn89Ser]VQAEEMVEFS